The following is an entry in ClinVar:

NM_018192.4(P3H2):c.455A>G (p.Asn152Ser)

Gene: P3H2 (prolyl 3-hydroxylase 2; minus strand). Cytogenetic location: 3q28.
Variant type: single nucleotide variant.
Coding change: c.455A>G on transcript NM_018192.4 (MANE Select); coding-DNA position 455, A replaced by G.
Protein change: p.Asn152Ser; replaces asparagine 152 with serine.
Molecular consequence: missense variant. On other transcripts: intron variant (1).
Genome position (GRCh38, 1-based): chr3:190,120,277, T>C on the plus strand (A>G on the coding strand, the complement: P3H2 is on the minus strand). VCF-style: chr3-190120277-T-C. GRCh37 (hg19) VCF-style: chr3-189838066-T-C.
Other names: c.455A>G (NM_018192.3); c.-64+1926A>G (NM_001134418.2); short protein forms N152S.
Identifiers: ClinVar variation 1909493 (VCV001909493.6), dbSNP rs372409374, ClinGen allele CA2753368.
Genomic context (GRCh38, chr3:190,120,277, plus strand): 5'-AGGGGCTTTGCAGTGGAGGAGCGCTCTGTGGGTACCTTGATGTAGGCCCGCTGCAGGTAG[T>C]TGTAGGGCACTCTGCGCTGGAAGTCGCTGCGCACATCCTCGCTGACGCGGTGGCGGGATG-3'
Protein context (NP_060662.2, residues 142-162): RSDFQRRVPY[Asn152Ser]YLQRAYIKLN

ClinVar aggregate classification (germline): Uncertain significance. Review status: criteria provided, multiple submitters, no conflicts (2 of 4 stars). 2 submissions from 2 submitters: Uncertain significance (2). Last evaluated 2025-10-06.

Conditions:
Inborn genetic diseases. Identifiers: MedGen C0950123, MeSH D030342.

Allele frequency attached by ClinVar (database versions not stated): ExAC 0.00001; gnomAD 0.00001; TOPMed 0.00001; ESP Exome Variant Server 0.00008.
gnomAD v4.1: 10 of 1,611,092 alleles (0.00062%); highest among the groups gnomAD compares: Non-Finnish European, 0.00085%; no homozygotes.

Submissions (2):

Ambry Genetics
Classification: Uncertain significance for Inborn genetic diseases. Last evaluated: 2025-10-06. Review status: criteria provided, single submitter. Criteria: Ambry Variant Classification Scheme 2023. Collection method: clinical testing. Allele origin: germline.

Labcorp Genetics (formerly Invitae), Labcorp
Classification: Uncertain significance. Last evaluated: 2021-11-28. Review status: criteria provided, single submitter. Criteria: Invitae Variant Classification Sherloc (09022015). Collection method: clinical testing. Allele origin: germline.
Comment: In summary, the available evidence is currently insufficient to determine the role of this variant in disease. Therefore, it has been classified as a Variant of Uncertain Significance. Algorithms developed to predict the effect of missense changes on protein structure and function output the following: SIFT: "Tolerated"; PolyPhen-2: "Benign"; Align-GVGD: "Class C0". The serine amino acid residue is found in multiple mammalian species, which suggests that this missense change does not adversely affect protein function. This variant has not been reported in the literature in individuals affected with P3H2-related conditions. This variant is present in population databases (rs372409374, gnomAD 0.002%). This sequence change replaces asparagine, which is neutral and polar, with serine, which is neutral and polar, at codon 152 of the P3H2 protein (p.Asn152Ser).